The following is an entry in ClinVar:

ClinVar aggregate classification (germline): Pathogenic (1 of 4 stars; one submission).

Submission:

GeneDx
Classification: Pathogenic. Last evaluated: 2016-07-13. Review status: criteria provided, single submitter. Criteria: GeneDx Variant Classification (06012015). Collection method: clinical testing. Allele origin: germline. Affected: yes.
Comment: The c.677+2T>C variant in the C5orf42 gene has not been reported previously as a pathogenic variant nor as a benign variant, to our knowledge. This splice site variant destroys the canonical splice donor site in intron 6. It is predicted to cause abnormal gene splicing, either leading to an abnormal message that is subject to nonsense-mediated mRNA decay, or to an abnormal protein product if the message is used for protein translation. The c.677+2T>C variant was not observed in approximately 2300 individuals of European and African American ancestry in the NHLBI Exome Sequencing Project, indicating it is not a common benign variant in these populations. We interpret c.677+2T>C as a pathogenic variant.

NM_001384732.1(CPLANE1):c.677+2T>C

Gene: CPLANE1 (ciliogenesis and planar polarity effector complex subunit 1; minus strand). Cytogenetic location: 5p13.2.
Variant type: single nucleotide variant.
Coding change: c.677+2T>C on transcript NM_001384732.1 (MANE Select); the canonical splice donor site of the intron after coding-DNA position 677, T replaced by C.
Molecular consequence: splice donor variant.
Genome position (GRCh38, 1-based): chr5:37,243,011, A>G on the plus strand (T>C on the coding strand, the complement: CPLANE1 is on the minus strand). VCF-style: chr5-37243011-A-G. GRCh37 (hg19) VCF-style: chr5-37243113-A-G.
Other names: c.677+2T>C (NM_023073.4).
Identifiers: ClinVar variation 280714 (VCV000280714.2), dbSNP rs886041870, ClinGen allele CA10602927.